The following is an entry in ClinVar:

ClinVar aggregate classification (germline): Uncertain significance (1 of 4 stars; one submission).

Conditions:
Hereditary cancer-predisposing syndrome. Also called: Hereditary Cancer Syndrome; Tumor predisposition; Hereditary neoplastic syndrome; Neoplastic Syndromes, Hereditary. Identifiers: Orphanet 140162, MedGen C0027672, MeSH D009386, MONDO:0015356.

Submission:

Ambry Genetics
Classification: Uncertain significance for Hereditary cancer-predisposing syndrome. Last evaluated: 2024-11-15. Review status: criteria provided, single submitter. Criteria: Ambry Variant Classification Scheme 2023. Collection method: clinical testing. Allele origin: germline.
Comment: The p.D471G variant (also known as c.1412A>G), located in coding exon 4 of the MSH6 gene, results from an A to G substitution at nucleotide position 1412. The aspartic acid at codon 471 is replaced by glycine, an amino acid with similar properties. This amino acid position is conserved. In addition, this alteration is predicted to be deleterious by in silico analysis. Based on the available evidence, the clinical significance of this variant remains unclear.

NM_000179.3(MSH6):c.1412A>G (p.Asp471Gly)

Gene: MSH6 (mutS homolog 6; plus strand). Cytogenetic location: 2p16.3.
Variant type: single nucleotide variant.
Coding change: c.1412A>G on transcript NM_000179.3 (MANE Select); coding-DNA position 1412, A replaced by G.
Protein change: p.Asp471Gly; replaces aspartic acid 471 with glycine.
Molecular consequence: missense variant. On other transcripts: non-coding transcript variant (4), intron variant (1).
Genome position (GRCh38, 1-based): chr2:47,799,395, A>G. VCF-style: chr2-47799395-A-G. GRCh37 (hg19) VCF-style: chr2-48026534-A-G.
Other names: c.1022A>G, p.Asp341Gly (NM_001281492.2); c.506A>G, p.Asp169Gly (NM_001281493.2, NM_001281494.2, NM_001406811.1 and 6 more transcripts); c.1508A>G, p.Asp503Gly (NM_001406795.1, NM_001406802.1); c.1412A>G, p.Asp471Gly (NM_001406796.1, NM_001406798.1, NM_001406800.1 and 4 more transcripts); c.1115A>G, p.Asp372Gly (NM_001406797.1, NM_001406801.1, NM_001406805.1 and 10 more transcripts); c.887A>G, p.Asp296Gly (NM_001406799.1, NM_001406806.1, NM_001406807.1); c.1334A>G, p.Asp445Gly (NM_001406804.1); c.1418A>G, p.Asp473Gly (NM_001406813.1); and 2 more; short protein forms D341G, D471G, D296G, D473G, D169G, D445G, D372G, D415G.
Identifiers: ClinVar variation 3398963 (VCV003398963.1).